The following is an entry in ClinVar:

NM_007255.3(B4GALT7):c.731G>A (p.Arg244His)

Gene: B4GALT7 (beta-1,4-galactosyltransferase 7; plus strand). Cytogenetic location: 5q35.3.
Variant type: single nucleotide variant.
Coding change: c.731G>A on transcript NM_007255.3 (MANE Select); coding-DNA position 731, G replaced by A.
Protein change: p.Arg244His; replaces arginine 244 with histidine.
Molecular consequence: missense variant.
Genome position (GRCh38, 1-based): chr5:177,608,917, G>A. VCF-style: chr5-177608917-G-A. GRCh37 (hg19) VCF-style: chr5-177035918-G-A.
Other names: c.731G>A (NM_007255.2); short protein forms R244H.
Identifiers: ClinVar variation 2139850 (VCV002139850.3), dbSNP rs567512466, ClinGen allele CA3586671.
Genomic context (GRCh38, chr5:177,608,917, plus strand): 5'-GGCTGGGGCTCCAGGAAGGGCAGCCTGACCCCGACTTCCTTGGACCTCCCTAGCTTTTCC[G>A]CCCCTCGGGAATCACAACTGGGTACAAGACATTTCGCCACCTGCATGACCCAGCCTGGCG-3'
Protein context (NP_009186.1, residues 234-254): RIKGAGLQLF[Arg244His]PSGITTGYKT

ClinVar aggregate classification (germline): Uncertain significance. Review status: criteria provided, multiple submitters, no conflicts (2 of 4 stars). 2 submissions from 2 submitters: Uncertain significance (2). Last evaluated 2025-11-20.

Conditions:
Spondylodysplastic Ehlers-Danlos syndrome. Identifiers: Orphanet 536471, Orphanet 75496, MedGen C5680154, MONDO:0007526.
Inborn genetic diseases. Identifiers: MedGen C0950123, MeSH D030342.

Allele frequency attached by ClinVar (database versions not stated): TOPMed 0.00001; gnomAD 0.00003; gnomAD exomes 0.00006; ExAC 0.00017; 1000 Genomes Project 0.00020; 1000 Genomes Project 30x 0.00031.
gnomAD v4.1: 86 of 1,613,526 alleles (0.0053%); highest among the groups gnomAD compares: South Asian, 0.08%; no homozygotes.

Submissions (2):

Ambry Genetics
Classification: Uncertain significance for Inborn genetic diseases. Last evaluated: 2025-11-20. Review status: criteria provided, single submitter. Criteria: Ambry Variant Classification Scheme 2023. Collection method: clinical testing. Allele origin: germline.

Labcorp Genetics (formerly Invitae), Labcorp
Classification: Uncertain significance for Spondylodysplastic Ehlers-Danlos syndrome. Last evaluated: 2022-07-29. Review status: criteria provided, single submitter. Criteria: Invitae Variant Classification Sherloc (09022015). Collection method: clinical testing. Allele origin: germline.
Comment: This sequence change replaces arginine, which is basic and polar, with histidine, which is basic and polar, at codon 244 of the B4GALT7 protein (p.Arg244His). This variant is present in population databases (rs567512466, gnomAD 0.09%). This variant has not been reported in the literature in individuals affected with B4GALT7-related conditions. Algorithms developed to predict the effect of missense changes on protein structure and function (SIFT, PolyPhen-2, Align-GVGD) all suggest that this variant is likely to be disruptive. In summary, the available evidence is currently insufficient to determine the role of this variant in disease. Therefore, it has been classified as a Variant of Uncertain Significance.